The following is an entry in ClinVar:

ClinVar aggregate classification (germline): Likely benign (1 of 4 stars; one submission).

Allele frequency attached by ClinVar (database versions not stated): TOPMed 0.00005; gnomAD 0.00008; 1000 Genomes Project 30x 0.00016; 1000 Genomes Project 0.00020.
gnomAD v4.1: 180 of 1,610,014 alleles (0.011%); highest among the groups gnomAD compares: Non-Finnish European, 0.014%; no homozygotes.

Submission:

CeGaT Center for Human Genetics Tuebingen
Classification: Likely benign. Last evaluated: 2023-01-01. Review status: criteria provided, single submitter. Criteria: CeGaT Center For Human Genetics Tuebingen Variant Classification Criteria Version 2. Collection method: clinical testing. Allele origin: germline. Affected: yes. Observed: 1 variant allele.
Comment: MUC5B: BP4, BP7

NM_002458.3(MUC5B):c.17058C>T (p.Pro5686=)

Gene: MUC5B (mucin 5B, oligomeric mucus/gel-forming; plus strand). Cytogenetic location: 11p15.5.
Variant type: single nucleotide variant.
Coding change: c.17058C>T on transcript NM_002458.3 (MANE Select); coding-DNA position 17058, C replaced by T.
Protein change: p.Pro5686=; no amino-acid change (proline 5686 retained).
Molecular consequence: synonymous variant.
Genome position (GRCh38, 1-based): chr11:1,260,717, C>T. VCF-style: chr11-1260717-C-T. GRCh37 (hg19) VCF-style: chr11-1281947-C-T.
Identifiers: ClinVar variation 2641318 (VCV002641318.24), dbSNP rs61734219, ClinGen allele CA5809633.